The following is an entry in ClinVar:

NM_001042492.3(NF1):c.7078T>C (p.Phe2360Leu)

Gene: NF1 (neurofibromin 1; plus strand). Cytogenetic location: 17q11.2.
Variant type: single nucleotide variant.
Coding change: c.7078T>C on transcript NM_001042492.3 (MANE Select); coding-DNA position 7078, T replaced by C.
Protein change: p.Phe2360Leu; replaces phenylalanine 2360 with leucine.
Molecular consequence: missense variant.
Genome position (GRCh38, 1-based): chr17:31,343,024, T>C. VCF-style: chr17-31343024-T-C. GRCh37 (hg19) VCF-style: chr17-29670042-T-C.
Other names: c.7015T>C, p.Phe2339Leu (NM_000267.4); short protein forms F2339L, F2360L.
Identifiers: ClinVar variation 1473057 (VCV001473057.9), dbSNP rs2069866148, ClinGen allele CA399015535.

ClinVar aggregate classification (germline): Uncertain significance. Review status: criteria provided, multiple submitters, no conflicts (2 of 4 stars). 2 submissions from 2 submitters: Uncertain significance (2). Last evaluated 2025-04-30.

Conditions:
Neurofibromatosis, familial spinal (FSNF). Identifiers: Orphanet 636, MedGen C1834235, MONDO:0008078, OMIM 162210. Disease mechanism: loss of function.
Juvenile myelomonocytic leukemia (JMML). Also called: LEUKEMIA, JUVENILE MYELOMONOCYTIC, SOMATIC. Identifiers: Orphanet 86834, MedGen C0349639, MONDO:0011908, OMIM 607785, HP:0012209.
Neurofibromatosis-Noonan syndrome (NFNS). Also called: NEUROFIBROMATOSIS WITH NOONAN PHENOTYPE. Identifiers: Orphanet 638, MedGen C2931482, MONDO:0011035, OMIM 601321. Disease mechanism: loss of function.
Café-au-lait macules with pulmonary stenosis (WTSN). Also called: PULMONIC STENOSIS WITH CAFE-AU-LAIT SPOTS. Identifiers: MedGen C0553586, MONDO:0008672, OMIM 193520.
Neurofibromatosis, type 1 (NF1). Also called: Neurofibromatosis, type I; VON RECKLINGHAUSEN DISEASE; NEUROFIBROMATOSIS, TYPE I, SOMATIC; Peripheral type neurofibromatosis. Identifiers: Orphanet 636, MedGen C0027831, MONDO:0018975, OMIM 162200. Disease mechanism: loss of function.

Submissions (2):

Labcorp Genetics (formerly Invitae), Labcorp
Classification: Uncertain significance for Neurofibromatosis, type 1. Last evaluated: 2025-04-30. Review status: criteria provided, single submitter. Criteria: Invitae Variant Classification Sherloc (09022015). Collection method: clinical testing. Allele origin: germline.
Comment: This sequence change replaces phenylalanine, which is neutral and non-polar, with leucine, which is neutral and non-polar, at codon 2339 of the NF1 protein (p.Phe2339Leu). This variant is not present in population databases (gnomAD no frequency). This variant has not been reported in the literature in individuals affected with NF1-related conditions. ClinVar contains an entry for this variant (Variation ID: 1473057). Invitae Evidence Modeling of protein sequence and biophysical properties (such as structural, functional, and spatial information, amino acid conservation, physicochemical variation, residue mobility, and thermodynamic stability) indicates that this missense variant is not expected to disrupt NF1 protein function with a negative predictive value of 95%. In summary, the available evidence is currently insufficient to determine the role of this variant in disease. Therefore, it has been classified as a Variant of Uncertain Significance.

Fulgent Genetics
Classification: Uncertain significance for Neurofibromatosis, type 1; Neurofibromatosis, familial spinal; Café-au-lait macules with pulmonary stenosis; Neurofibromatosis-Noonan syndrome; Juvenile myelomonocytic leukemia. Last evaluated: 2021-12-06. Review status: criteria provided, single submitter. Criteria: ACMG Guidelines, 2015. Collection method: clinical testing. Allele origin: unknown.